The following is an entry in ClinVar:

NM_004415.4(DSP):c.2276_2277insA (p.Thr760fs)

Gene: DSP (desmoplakin; plus strand). Cytogenetic location: 6p24.3.
Variant type: Insertion.
Coding change: c.2276_2277insA on transcript NM_004415.4 (MANE Select); coding-DNA positions 2276 to 2277, A inserted.
Protein change: p.Thr760fs; shifts the reading frame from threonine 760.
Molecular consequence: frameshift variant.
Genome position: GRCh38 VCF-style: chr6-7574231-T-TA. GRCh37 (hg19) VCF-style: chr6-7574464-T-TA.
Other names: c.2276_2277insA, p.Thr760fs (NM_001008844.3, NM_001319034.2); short protein forms T760fs.
Identifiers: ClinVar variation 2929114 (VCV002929114.3), dbSNP rs2533903858, ClinGen allele CA2695202857.
Genomic context (GRCh38, chr6:7,574,231, plus strand): 5'-ACTGCTATTTACAGAATGAAGTATTTGGACTATTTCAGAAACTGGAAAATATCAATGGTG[T>TA]TACAGATGGCTACTTAAATAGGTAAACTCAGCTAACACTAATCTCATATTTTCCTTTTCT-3'

ClinVar aggregate classification (germline): Pathogenic (1 of 4 stars; one submission).

Conditions:
Arrhythmogenic cardiomyopathy with wooly hair and keratoderma. Also called: Arrhythmogenic cardiomyopathy with woolly hair and keratoderma; Dilated cardiomyopathy with woolly hair and keratoderma; PALMOPLANTAR KERATODERMA WITH LEFT VENTRICULAR CARDIOMYOPATHY AND WOOLLY HAIR; Carvajal syndrome. Identifiers: Orphanet 65282, MedGen C1854063, MONDO:0011581, OMIM 605676.
Arrhythmogenic right ventricular dysplasia 8 (ARVD8). Also called: Arrhythmogenic Right Ventricular Dysplasia/Cardiomyopathy 8; ARRHYTHMOGENIC RIGHT VENTRICULAR DYSPLASIA, FAMILIAL, 8; ARRHYTHMOGENIC RIGHT VENTRICULAR CARDIOMYOPATHY 8. Identifiers: MedGen C1843896, MONDO:0011831, OMIM 607450.

Submission:

Labcorp Genetics (formerly Invitae), Labcorp
Classification: Pathogenic for Arrhythmogenic cardiomyopathy with wooly hair and keratoderma; Arrhythmogenic right ventricular dysplasia 8. Last evaluated: 2025-02-05. Review status: criteria provided, single submitter. Criteria: Invitae Variant Classification Sherloc (09022015). Collection method: clinical testing. Allele origin: germline.
Comment: This sequence change creates a premature translational stop signal (p.Thr760Tyrfs*7) in the DSP gene. It is expected to result in an absent or disrupted protein product. Loss-of-function variants in DSP are known to be pathogenic (PMID: 20716751, 24503780, 25227139). This variant is not present in population databases (gnomAD no frequency). This premature translational stop signal has been observed in individual(s) with dilated cardiomyopathy (PMID: 29892087, 31317183). ClinVar contains an entry for this variant (Variation ID: 2929114). For these reasons, this variant has been classified as Pathogenic.

Literature cited by the submitters: PubMed 20716751; PubMed 24503780; PubMed 25227139; PubMed 29892087; PubMed 31317183.